The following is an entry in ClinVar:

ClinVar aggregate classification (germline): Uncertain significance (1 of 4 stars; one submission).

Submission:

GeneDx
Classification: Uncertain significance. Last evaluated: 2025-04-30. Review status: criteria provided, single submitter. Criteria: GeneDx Variant Classification Process June 2021. Collection method: clinical testing. Allele origin: germline. Affected: yes.
Comment: Not observed at significant frequency in large population cohorts (gnomAD); In silico analysis indicates that this missense variant does not alter protein structure/function; Has not been previously published as pathogenic or benign to our knowledge

NM_015215.4(CAMTA1):c.1257C>G (p.Asn419Lys)

Gene: CAMTA1 (calmodulin binding transcription activator 1; plus strand). Cytogenetic location: 1p36.23.
Variant type: single nucleotide variant.
Coding change: c.1257C>G on transcript NM_015215.4 (MANE Select); coding-DNA position 1257, C replaced by G.
Protein change: p.Asn419Lys; replaces asparagine 419 with lysine.
Molecular consequence: missense variant.
Genome position (GRCh38, 1-based): chr1:7,663,804, C>G. VCF-style: chr1-7663804-C-G. GRCh37 (hg19) VCF-style: chr1-7723864-C-G.
Other names: c.1167C>G, p.Asn389Lys (NM_001349608.2, NM_001349612.2); c.1257C>G, p.Asn419Lys (NM_001349609.2, NM_001349610.2, NM_001410737.1); c.1185C>G, p.Asn395Lys (NM_001410738.1); short protein forms N389K, N395K, N419K.
Identifiers: ClinVar variation 4527871 (VCV004527871.1).